The following is an entry in ClinVar:

NM_001387263.1(PATL2):c.516-2A>G

Gene: PATL2 (PAT1 homolog 2; minus strand). Cytogenetic location: 15q21.1.
Variant type: single nucleotide variant.
Coding change: c.516-2A>G on transcript NM_001387263.1 (MANE Select); the canonical splice acceptor site of the intron before coding-DNA position 516, A replaced by G.
Molecular consequence: splice acceptor variant. On other transcripts: 5 prime UTR variant (1), intron variant (2).
Genome position (GRCh38, 1-based): chr15:44,672,158, T>C on the plus strand (A>G on the coding strand, the complement: PATL2 is on the minus strand). VCF-style: chr15-44672158-T-C. GRCh37 (hg19) VCF-style: chr15-44964356-T-C.
Other names: c.-54A>G (NM_001330283.2); c.564+33A>G (NM_001387260.1, NM_001387264.1); c.516-2A>G (NM_001387261.1, NM_001387262.1, NM_001145112.2).
Identifiers: ClinVar variation 3257188 (VCV003257188.17).

ClinVar aggregate classification (germline): Pathogenic (1 of 4 stars; one submission).

gnomAD v4.1: 53 of 1,551,570 alleles (0.0034%); highest among the groups gnomAD compares: Non-Finnish European, 0.0043%; no homozygotes.

Submission:

CeGaT Center for Human Genetics Tuebingen
Classification: Pathogenic. Last evaluated: 2024-07-01. Review status: criteria provided, single submitter. Criteria: CeGaT Center For Human Genetics Tuebingen Variant Classification Criteria Version 2. Collection method: clinical testing. Allele origin: germline. Affected: yes. Observed: 1 variant allele.
Comment: PATL2: PVS1, PM2